The following is an entry in ClinVar:

ClinVar aggregate classification (germline): Likely benign. Review status: criteria provided, single submitter (1 of 4 stars). 2 submissions from 2 submitters: Likely benign (1). 1 of the submissions does not count toward it. Last evaluated 2023-10-18.

Conditions:
Cognitive impairment - coarse facies - heart defects - obesity - pulmonary involvement - short stature - skeletal dysplasia syndrome. Also called: AFF4-Related CHOPS Syndrome; COGNITIVE IMPAIRMENT, COARSE FACIES, HEART DEFECTS, OBESITY, PULMONARY INVOLVEMENT, SHORT STATURE, AND SKELETAL DYSPLASIA; Chops syndrome. Identifiers: Orphanet 444077, MedGen C4085597, MONDO:0014609, OMIM 616368.
AFF4-related disorder. Also called: AFF4-related condition.

Allele frequency attached by ClinVar (database versions not stated): gnomAD 0.00002 and 0.00003; gnomAD exomes 0.00003; ExAC 0.00004; TOPMed 0.00004; ESP Exome Variant Server 0.00008.
gnomAD v4.1: 47 of 1,613,258 alleles (0.0029%); highest among the groups gnomAD compares: Non-Finnish European, 0.0037%; no homozygotes.

Submissions (2):

Labcorp Genetics (formerly Invitae), Labcorp
Classification: Likely benign for Cognitive impairment - coarse facies - heart defects - obesity - pulmonary involvement - short stature - skeletal dysplasia syndrome. Last evaluated: 2023-10-18. Review status: criteria provided, single submitter. Criteria: Invitae Variant Classification Sherloc (09022015). Collection method: clinical testing. Allele origin: germline.

PreventionGenetics, part of Exact Sciences
Classification: Likely benign for AFF4-related condition. Last evaluated: 2023-08-22. Review status: no assertion criteria provided. Collection method: clinical testing. Allele origin: germline. Not counted in ClinVar's aggregate classification.
Comment: This variant is classified as likely benign based on ACMG/AMP sequence variant interpretation guidelines (Richards et al. 2015 PMID: 25741868, with internal and published modifications).

NM_014423.4(AFF4):c.2308-6A>G

Gene: AFF4 (ALF transcription elongation factor 4; minus strand). Cytogenetic location: 5q31.1.
Variant type: single nucleotide variant.
Coding change: c.2308-6A>G on transcript NM_014423.4 (MANE Select); 6 bases into the intron before coding-DNA position 2308, A replaced by G.
Molecular consequence: intron variant.
Genome position (GRCh38, 1-based): chr5:132,893,124, T>C on the plus strand (A>G on the coding strand, the complement: AFF4 is on the minus strand). VCF-style: chr5-132893124-T-C. GRCh37 (hg19) VCF-style: chr5-132228816-T-C.
Other names: c.2308-6A>G (NM_014423.3).
Identifiers: ClinVar variation 1625781 (VCV001625781.9), dbSNP rs369340003, ClinGen allele CA3408953.